The following is an entry in ClinVar:

NM_133379.5(TTN):c.10626G>T (p.Arg3542=)

Gene: TTN (titin; minus strand). Cytogenetic location: 2q31.2.
Variant type: single nucleotide variant.
Coding change: c.10626G>T on transcript NM_133379.5; coding-DNA position 10626, G replaced by T.
Protein change: p.Arg3542=; no amino-acid change (arginine 3542 retained).
Molecular consequence: synonymous variant. On other transcripts: intron variant (6).
Genome position (GRCh38, 1-based): chr2:178,751,774, C>A on the plus strand (G>T on the coding strand, the complement: TTN is on the minus strand). VCF-style: chr2-178751774-C-A. GRCh37 (hg19) VCF-style: chr2-179616501-C-A.
Other names: c.10626G>T (NM_133379.4); c.10222+1350G>T (NM_003319.4); c.10798+1350G>T (NM_133437.4); c.10597+1350G>T (NM_133432.3); c.10360+1350G>T (NM_133378.4, NM_001256850.1); c.11311+1350G>T (NM_001267550.2).
Identifiers: ClinVar variation 382807 (VCV000382807.2), dbSNP rs370206902, ClinGen allele CA2003870.
Genomic context (GRCh38, chr2:178,751,774, plus strand): 5'-AGAGTGATGGTGTAAATCACTCTCAGCTTTTATAATCCGACGAAGACCTGTTGGGATGGG[C>A]CGATTGTTATGAAACCAAGTCATTTCTGGAGTTGGACAGGCAATTAATCTACATGTAAAA-3'

ClinVar aggregate classification (germline): Likely benign. Review status: criteria provided, multiple submitters, no conflicts (2 of 4 stars). 2 submissions from 2 submitters: Likely benign (2). Last evaluated 2025-08-19.

Conditions:
TTN-related disorder. Also called: TTN-related disorders; TTN-related condition; TTN-related disease.

Allele frequency attached by ClinVar (database versions not stated): gnomAD 0.00003 and 0.00004; TOPMed 0.00003; ESP Exome Variant Server 0.00008.
gnomAD v4.1: 6 of 1,612,928 alleles (0.00037%); highest among the groups gnomAD compares: African/African-American, 0.008%; no homozygotes.

Submissions (2):

PreventionGenetics, part of Exact Sciences
Classification: Likely benign for TTN-related condition. Last evaluated: 2025-08-19. Review status: criteria provided, single submitter. Criteria: ACMG Guidelines, 2015. Collection method: clinical testing. Allele origin: germline.
Comment: This variant is classified as likely benign based on ACMG/AMP sequence variant interpretation guidelines (Richards et al. 2015 PMID: 25741868, with internal and published modifications).

GeneDx
Classification: Likely benign. Last evaluated: 2016-01-05. Review status: criteria provided, single submitter. Criteria: GeneDx Variant Classification (06012015). Collection method: clinical testing. Allele origin: germline. Affected: yes.
Comment: This variant is considered likely benign or benign based on one or more of the following criteria: it is a conservative change, it occurs at a poorly conserved position in the protein, it is predicted to be benign by multiple in silico algorithms, and/or has population frequency not consistent with disease.